The following is an entry in ClinVar:

ClinVar aggregate classification (germline): Uncertain significance (1 of 4 stars; one submission).

Conditions:
Torsion dystonia 6 (DYT6). Also called: DYT-THAP1. Identifiers: Orphanet 98806, MedGen C1414216, MONDO:0011264, OMIM 602629.

Submission:

Labcorp Genetics (formerly Invitae), Labcorp
Classification: Uncertain significance for Torsion dystonia 6. Last evaluated: 2022-07-11. Review status: criteria provided, single submitter. Criteria: Invitae Variant Classification Sherloc (09022015). Collection method: clinical testing. Allele origin: germline.
Comment: In summary, the available evidence is currently insufficient to determine the role of this variant in disease. Therefore, it has been classified as a Variant of Uncertain Significance. Algorithms developed to predict the effect of missense changes on protein structure and function are either unavailable or do not agree on the potential impact of this missense change (SIFT: "Tolerated"; PolyPhen-2: "Probably Damaging"; Align-GVGD: "Class C15"). This variant has not been reported in the literature in individuals affected with THAP1-related conditions. This variant is not present in population databases (gnomAD no frequency). This sequence change replaces arginine, which is basic and polar, with glycine, which is neutral and non-polar, at codon 171 of the THAP1 protein (p.Arg171Gly).

NM_018105.3(THAP1):c.511A>G (p.Arg171Gly)

Gene: THAP1 (THAP domain containing 1; minus strand). Cytogenetic location: 8p11.21.
Variant type: single nucleotide variant.
Coding change: c.511A>G on transcript NM_018105.3 (MANE Select); coding-DNA position 511, A replaced by G.
Protein change: p.Arg171Gly; replaces arginine 171 with glycine.
Molecular consequence: missense variant. On other transcripts: 3 prime UTR variant (1).
Genome position (GRCh38, 1-based): chr8:42,838,093, T>C on the plus strand (A>G on the coding strand, the complement: THAP1 is on the minus strand). VCF-style: chr8-42838093-T-C. GRCh37 (hg19) VCF-style: chr8-42693236-T-C.
Other names: c.*153A>G (NM_199003.2); short protein forms R171G.
Identifiers: ClinVar variation 2015900 (VCV002015900.4), dbSNP rs2487026761, ClinGen allele CA371106884.